The following is an entry in ClinVar:

ClinVar aggregate classification (germline): Uncertain significance (1 of 4 stars; one submission).

Conditions:
Kabuki syndrome. Also called: NIIKAWA-KUROKI SYNDROME; Kabuki make-up syndrome. Identifiers: Orphanet 2322, MedGen C0796004, MONDO:0016512.

Submission:

Labcorp Genetics (formerly Invitae), Labcorp
Classification: Uncertain significance for Kabuki syndrome. Last evaluated: 2023-11-03. Review status: criteria provided, single submitter. Criteria: Invitae Variant Classification Sherloc (09022015). Collection method: clinical testing. Allele origin: germline.
Comment: This variant, c.3062_3082dup, results in the insertion of 7 amino acid(s) of the KMT2D protein (p.Pro1021_Leu1027dup), but otherwise preserves the integrity of the reading frame. This variant is present in population databases (rs747798121, gnomAD 0.0009%). This variant has not been reported in the literature in individuals affected with KMT2D-related conditions. In summary, the available evidence is currently insufficient to determine the role of this variant in disease. Therefore, it has been classified as a Variant of Uncertain Significance.

NM_003482.4(KMT2D):c.3062_3082dup (p.Leu1027_Leu1028insProProGlnCysSerProLeu)

Gene: KMT2D (lysine methyltransferase 2D; minus strand). Cytogenetic location: 12q13.12.
Variant type: Duplication.
Coding change: c.3062_3082dup on transcript NM_003482.4 (MANE Select); coding-DNA positions 3062 to 3082, 21 bases duplicated (CTCCTCAGTGTTCGCCACTCC).
Protein change: p.Leu1027_Leu1028insProProGlnCysSerProLeu.
Molecular consequence: inframe insertion.
Genome position (GRCh38, 1-based): chr12:49,050,506-49,050,526, GGAGTGGCGAACACTGAGGAG duplicated on the plus strand (CTCCTCAGTGTTCGCCACTCC on the coding strand, the reverse complement: KMT2D is on the minus strand); duplicating any 21 consecutive bases within chr12:49,050,506-49,050,527 gives the same sequence; the c. name uses the placement nearest the transcript's 3' end. VCF-style (leftmost placement, unchanged base first): chr12-49050505-A-AGGAGTGGCGAACACTGAGGAG. GRCh37 (hg19) VCF-style: chr12-49444288-A-AGGAGTGGCGAACACTGAGGAG.
Identifiers: ClinVar variation 2991230 (VCV002991230.3), dbSNP rs747798121, ClinGen allele CA6548121.